The following is an entry in ClinVar:

ClinVar aggregate classification (germline): Conflicting classifications of pathogenicity. Review status: criteria provided, conflicting classifications (1 of 4 stars). 2 submissions from 2 submitters: Uncertain significance (1); Likely benign (1). Last evaluated 2025-06-24.

Conditions:
Inborn genetic diseases. Identifiers: MedGen C0950123, MeSH D030342.
Cornelia de Lange syndrome 4 (CDLS4). Also called: RAD21-Related Cornelia de Lange Syndrome; CORNELIA DE LANGE SYNDROME 4 WITH OR WITHOUT MIDLINE BRAIN DEFECTS. Identifiers: Orphanet 199, MedGen C3553517, MONDO:0013864, OMIM 614701.

Allele frequency attached by ClinVar (database versions not stated): ExAC 0.00005; gnomAD 0.00006; gnomAD exomes 0.00007.
gnomAD v4.1: 112 of 1,606,964 alleles (0.007%); highest among the groups gnomAD compares: Non-Finnish European, 0.0088%; no homozygotes.

Submissions (5):

Labcorp Genetics (formerly Invitae), Labcorp
Classification: Uncertain significance for Cornelia de Lange syndrome 4. Last evaluated: 2025-06-24. Review status: criteria provided, single submitter. Criteria: Invitae Variant Classification Sherloc (09022015). Collection method: clinical testing. Allele origin: germline.
Comment: This sequence change affects codon 540 of the RAD21 mRNA. It is a 'silent' change, meaning that it does not change the encoded amino acid sequence of the RAD21 protein. This variant also falls at the last nucleotide of exon 12, which is part of the consensus splice site for this exon. This variant is present in population databases (rs746050594, gnomAD 0.008%). This variant has not been reported in the literature in individuals affected with RAD21-related conditions. ClinVar contains an entry for this variant (Variation ID: 2281575). Variants that disrupt the consensus splice site are a relatively common cause of aberrant splicing (PMID: 17576681, 9536098). Algorithms developed to predict the effect of sequence changes on RNA splicing suggest that this variant may disrupt the consensus splice site. In summary, the available evidence is currently insufficient to determine the role of this variant in disease. Therefore, it has been classified as a Variant of Uncertain Significance.

Ambry Genetics
Classification: Likely benign for Inborn genetic diseases. Last evaluated: 2022-09-29. Review status: criteria provided, single submitter. Criteria: Ambry Variant Classification Scheme 2023. Collection method: clinical testing. Allele origin: germline.

Dr. Peter K. Rogan Lab, Western University
No classification provided (evidence only). Condition: Lung cancer. Review status: no classification provided. Collection method: in vitro. Allele origin: not applicable. Functional consequence: retained intron. Not counted in ClinVar's aggregate classification.

Dr. Peter K. Rogan Lab, Western University
No classification provided (evidence only). Condition: Thyroid cancer, nonmedullary, 1. Review status: no classification provided. Collection method: in vitro. Allele origin: not applicable. Functional consequence: retained intron. Not counted in ClinVar's aggregate classification.

Dr. Peter K. Rogan Lab, Western University
No classification provided (evidence only). Condition: Uterine corpus endometrial carcinoma. Review status: no classification provided. Collection method: in vitro. Allele origin: not applicable. Functional consequence: retained intron. Not counted in ClinVar's aggregate classification.

Literature cited by the submitters: PubMed 17576681 (cited by Labcorp Genetics (formerly Invitae), Labcorp); PubMed 9536098 (cited by Labcorp Genetics (formerly Invitae), Labcorp).

NM_006265.3(RAD21):c.1620G>A (p.Glu540=)

Gene: RAD21 (RAD21 cohesin complex component; minus strand). Cytogenetic location: 8q24.11.
Variant type: single nucleotide variant.
Coding change: c.1620G>A on transcript NM_006265.3 (MANE Select); coding-DNA position 1620, G replaced by A.
Protein change: p.Glu540=; no amino-acid change (glutamic acid 540 retained).
Molecular consequence: synonymous variant.
Genome position (GRCh38, 1-based): chr8:116,850,618, C>T on the plus strand (G>A on the coding strand, the complement: RAD21 is on the minus strand). VCF-style: chr8-116850618-C-T. GRCh37 (hg19) VCF-style: chr8-117862857-C-T.
Identifiers: ClinVar variation 2281575 (VCV002281575.6), dbSNP rs746050594, ClinGen allele CA4852765.